The following is an entry in ClinVar:

ClinVar aggregate classification (germline): Likely benign. Review status: criteria provided, multiple submitters, no conflicts (2 of 4 stars). 4 submissions from 4 submitters: Likely benign (4). Last evaluated 2026-05-12.

Conditions:
PCDH15-related disorder. Also called: PCDH15-related condition; PCDH15-related disorders.

gnomAD v4.1: 16 of 1,609,964 alleles (0.00099%); highest among the groups gnomAD compares: Non-Finnish European, 0.00017%; no homozygotes.

Submissions (4):

PreventionGenetics, part of Exact Sciences
Classification: Likely benign for PCDH15-related condition. Last evaluated: 2026-05-12. Review status: criteria provided, single submitter. Criteria: ACMG Guidelines, 2015. Collection method: clinical testing. Allele origin: germline.
Comment: This variant is classified as likely benign based on ACMG/AMP sequence variant interpretation guidelines (Richards et al. 2015 PMID: 25741868, with internal and published modifications).

Labcorp Genetics (formerly Invitae), Labcorp
Classification: Likely benign. Last evaluated: 2025-12-01. Review status: criteria provided, single submitter. Criteria: Invitae Variant Classification Sherloc (09022015). Collection method: clinical testing. Allele origin: germline.

Blueprint Genetics
Classification: Likely benign. Last evaluated: 2022-03-01. Review status: criteria provided, single submitter. Criteria: ACMG Guidelines, 2015. Collection method: clinical testing. Allele origin: germline.

Laboratory for Molecular Medicine, Mass General Brigham Personalized Medicine
Classification: Likely benign. Last evaluated: 2015-04-16. Review status: criteria provided, single submitter. Criteria: LMM Criteria. Collection method: clinical testing. Allele origin: germline. Observed: 1 variant allele.
Comment: p.Pro1808Pro in exon 34 of PCDH15: This variant is not expected to have clinical significance because it does not alter an amino acid residue and is not located within the splice consensus sequence.

NM_033056.4(PCDH15):c.5424A>C (p.Pro1808=)

Gene: PCDH15 (protocadherin related 15; minus strand). Cytogenetic location: 10q21.1.
Variant type: single nucleotide variant.
Coding change: c.5424A>C on transcript NM_033056.4 (MANE Plus Clinical); coding-DNA position 5424, A replaced by C.
Protein change: p.Pro1808=; no amino-acid change (proline 1808 retained).
Molecular consequence: synonymous variant. On other transcripts: intron variant (8).
Genome position (GRCh38, 1-based): chr10:53,822,302, T>G on the plus strand (A>C on the coding strand, the complement: PCDH15 is on the minus strand). VCF-style: chr10-53822302-T-G. GRCh37 (hg19) VCF-style: chr10-55582062-T-G.
Other names: c.5445A>C, p.Pro1815= (NM_001142763.2); c.5430A>C, p.Pro1810= (NM_001142764.2); c.5217A>C, p.Pro1739= (NM_001142765.2); c.5415A>C, p.Pro1805= (NM_001142766.2); c.5304A>C, p.Pro1768= (NM_001142767.2); c.5364A>C, p.Pro1788= (NM_001142768.2); c.5355A>C, p.Pro1785= (NM_001142773.2); c.5358A>C, p.Pro1786= (NM_001354404.2); and 7 more.
Identifiers: ClinVar variation 227842 (VCV000227842.15), dbSNP rs753289924, ClinGen allele CA5505039.